The following is an entry in ClinVar:

ClinVar aggregate classification (germline): Benign (3 of 4 stars; one submission).

Conditions:
Breast-ovarian cancer, familial, susceptibility to, 1 (BROVCA1). Also called: BRCA1 Hereditary Breast and Ovarian Cancer; OVARIAN CANCER, SUSCEPTIBILITY TO. Identifiers: Orphanet 145, MedGen C2676676, MONDO:0011450, OMIM 604370. Disease mechanism: loss of function.

Allele frequency attached by ClinVar (database versions not stated): gnomAD 0.00093 and 0.00148; TOPMed 0.00139; 1000 Genomes Project 0.01058.
gnomAD v4.1: 211 of 145,722 alleles (0.14%); highest among the groups gnomAD compares: East Asian, 3.6%; 6 homozygotes.

Submission:

Evidence-based Network for the Interpretation of Germline Mutant Alleles (ENIGMA)
Classification: Benign for Breast-ovarian cancer, familial 1. Last evaluated: 2015-01-12. Review status: reviewed by expert panel. Criteria: ENIGMA BRCA1/2 Classification Criteria (2015). Collection method: curation. Allele origin: germline.
Comment: Class 1 not pathogenic based on frequency >1% in an outbred sampleset. Frequency 0.0542 (Asian), derived from 1000 genomes (2012-04-30).

NM_007294.4(BRCA1):c.5193+730A>T

Gene: BRCA1 (BRCA1 DNA repair associated; minus strand). Cytogenetic location: 17q21.31.
Variant type: single nucleotide variant.
Coding change: c.5193+730A>T on transcript NM_007294.4 (MANE Select); 730 bases into the intron after coding-DNA position 5193, A replaced by T.
Molecular consequence: intron variant.
Genome position (GRCh38, 1-based): chr17:43,062,603, T>A on the plus strand (A>T on the coding strand, the complement: BRCA1 is on the minus strand). VCF-style: chr17-43062603-T-A. GRCh37 (hg19) VCF-style: chr17-41214620-T-A.
Other names: IVS 19+730A>T; c.1758+730A>T (NM_001408437.1, NM_001408442.1, NM_001408436.1 and 10 more transcripts); c.1761+730A>T (NM_001408429.1, NM_001408426.1, NM_001408430.1 and 4 more transcripts); c.5064+730A>T (NM_001407683.1, NM_001407686.1, NM_001407685.1 and 6 more transcripts); c.5067+730A>T (NM_001407674.1, NM_001407939.1, NM_001407677.1 and 10 more transcripts); c.5070+730A>T (NM_001407919.1, NM_001407937.1, NM_001407669.1 and 6 more transcripts); c.1881+730A>T (NM_001407979.1, NM_001407982.1, NM_001407980.1 and 12 more transcripts); c.1884+730A>T (NM_001407977.1, NM_001407976.1, NM_001407974.1 and 3 more transcripts); and 73 more.
Identifiers: ClinVar variation 209321 (VCV000209321.2), dbSNP rs186955850, ClinGen allele CA276293.
Genomic context (GRCh38, chr17:43,062,603, plus strand): 5'-TGTTTCTTTTGAAATCTAGAACAAATGAGAACAGAGGATATCCTGGTTTGCGCTGCAAAA[T>A]TTTTTTTTTTTTTAAGACGGAGTCTCGCTCTGTTGCCAGGTTGGAGTGCAGTGGCACGAT-3'